The following is an entry in ClinVar:

NM_000377.3(WAS):c.777+5G>A

Gene: WAS (WASP actin nucleation promoting factor; plus strand). Cytogenetic location: Xp11.23.
Variant type: single nucleotide variant.
Coding change: c.777+5G>A on transcript NM_000377.3 (MANE Select); 5 bases into the intron after coding-DNA position 777, G replaced by A.
Molecular consequence: intron variant.
Genome position (GRCh38, 1-based): chrX:48,688,101, G>A. VCF-style: chrX-48688101-G-A. GRCh37 (hg19) VCF-style: chrX-48546490-G-A.
Identifiers: ClinVar variation 3759639 (VCV003759639.2).

ClinVar aggregate classification (germline): Uncertain significance (1 of 4 stars; one submission).

Conditions:
X-linked severe congenital neutropenia (SCNX). Identifiers: Orphanet 86788, MedGen C1845987, MONDO:0010294, OMIM 300299.
Thrombocytopenia 1. Also called: THROMBOCYTOPENIA, X-LINKED, 1; X-linked thrombocytopenia with normal platelets; X-Linked Thrombocytopenia (XLT). Identifiers: Orphanet 268322, Orphanet 852, MedGen C1839163, MONDO:0010743, OMIM 313900.
Wiskott-Aldrich syndrome (WAS). Also called: ALDRICH SYNDROME; IMMUNODEFICIENCY 2; Wiskott-aldrich syndrome, somatic; WISKOTT-ALDRICH SYNDROME 1. Identifiers: Orphanet 906, MedGen C0043194, MONDO:0010518, OMIM 301000.

Submission:

Labcorp Genetics (formerly Invitae), Labcorp
Classification: Uncertain significance for Wiskott-Aldrich syndrome; X-linked severe congenital neutropenia; Thrombocytopenia 1. Last evaluated: 2025-01-06. Review status: criteria provided, single submitter. Criteria: Invitae Variant Classification Sherloc (09022015). Collection method: clinical testing. Allele origin: germline.
Comment: This sequence change falls in intron 8 of the WAS gene. It does not directly change the encoded amino acid sequence of the WAS protein. It affects a nucleotide within the consensus splice site. This variant is not present in population databases (gnomAD no frequency). This variant has been observed in individual(s) with Wiskott-Aldrich syndrome (PMID: 15284122). This variant is also known as IVS8+5G>A. Variants that disrupt the consensus splice site are a relatively common cause of aberrant splicing (PMID: 17576681, 9536098). Algorithms developed to predict the effect of sequence changes on RNA splicing suggest that this variant may disrupt the consensus splice site. This variant disrupts the c.777+5G nucleotide in the WAS gene. Other variant(s) that disrupt this nucleotide have been determined to be pathogenic (PMID: 15389128). This suggests that this nucleotide is clinically significant, and that variants that disrupt this position are likely to be disease-causing. In summary, the available evidence is currently insufficient to determine the role of this variant in disease. Therefore, it has been classified as a Variant of Uncertain Significance.

Literature cited by the submitters: PubMed 15284122; PubMed 17576681; PubMed 9536098; PubMed 15389128.